The following is an entry in ClinVar:

NR_033294.2(SNORD118):n.38_39insT

Genes: SNORD118 (small nucleolar RNA, C/D box 118; minus strand), TMEM107 (transmembrane protein 107; minus strand). Cytogenetic location: 17p13.1.
Variant type: Insertion.
Molecular consequence: non-coding transcript variant (on NR_033294.2). On other transcripts: 3 prime UTR variant (5).
Genome position: GRCh38 VCF-style: chr17-8173550-C-CA. GRCh37 (hg19) VCF-style: chr17-8076868-C-CA.
Other names: c.*652_*653insT (NM_001351278.2, NM_001351279.2, NM_001351280.2 and 2 more transcripts).
Identifiers: ClinVar variation 1298692 (VCV001298692.37), dbSNP rs146107438, ClinGen allele CA8370756.

ClinVar aggregate classification (germline): Uncertain significance. Review status: criteria provided, multiple submitters, no conflicts (2 of 4 stars). 3 submissions from 3 submitters: Uncertain significance (3). Last evaluated 2024-09-13.

Allele frequency attached by ClinVar (database versions not stated): gnomAD exomes 0.00039; ExAC 0.00041; gnomAD 0.00051; TOPMed 0.00053.

Submissions (3):

Blueprint Genetics
Classification: Uncertain significance. Last evaluated: 2024-09-13. Review status: criteria provided, single submitter. Criteria: ACMG Guidelines, 2015. Collection method: clinical testing. Allele origin: germline.

Labcorp Genetics (formerly Invitae), Labcorp
Classification: Uncertain significance. Last evaluated: 2022-08-10. Review status: criteria provided, single submitter. Criteria: Invitae Variant Classification Sherloc (09022015). Collection method: clinical testing. Allele origin: germline.
Comment: This variant occurs in the SNORD118 gene, which encodes an RNA molecule that does not result in a protein product. This variant is present in population databases (rs146107438, gnomAD 0.08%). This variant has not been reported in the literature in individuals affected with SNORD118-related conditions. ClinVar contains an entry for this variant (Variation ID: 1298692). In summary, the available evidence is currently insufficient to determine the role of this variant in disease. Therefore, it has been classified as a Variant of Uncertain Significance.

CeGaT Center for Human Genetics Tuebingen
Classification: Uncertain significance. Last evaluated: 2021-09-01. Review status: criteria provided, single submitter. Criteria: CeGaT Center For Human Genetics Tuebingen Variant Classification Criteria Version 2. Collection method: clinical testing. Allele origin: germline. Affected: yes. Observed: 1 variant allele.